The following is an entry in ClinVar:

ClinVar aggregate classification (germline): Uncertain significance (1 of 4 stars; one submission).

Conditions:
Epileptic encephalopathy. Identifiers: MedGen C0543888, HP:0200134.

Submission:

Labcorp Genetics (formerly Invitae), Labcorp
Classification: Uncertain significance for Epileptic encephalopathy. Last evaluated: 2025-08-07. Review status: criteria provided, single submitter. Criteria: Invitae Variant Classification Sherloc (09022015). Collection method: clinical testing. Allele origin: germline.
Comment: This sequence change replaces aspartic acid, which is acidic and polar, with histidine, which is basic and polar, at codon 223 of the GABBR2 protein (p.Asp223His). This variant is not present in population databases (gnomAD no frequency). This variant has not been reported in the literature in individuals affected with GABBR2-related conditions. Invitae Evidence Modeling of protein sequence and biophysical properties (such as structural, functional, and spatial information, amino acid conservation, physicochemical variation, residue mobility, and thermodynamic stability) has been performed for this missense variant. However, the output from this modeling did not meet the statistical confidence thresholds required to predict the impact of this variant on GABBR2 protein function. In summary, the available evidence is currently insufficient to determine the role of this variant in disease. Therefore, it has been classified as a Variant of Uncertain Significance.

NM_005458.8(GABBR2):c.667G>C (p.Asp223His)

Genes: GABBR2 (gamma-aminobutyric acid type B receptor subunit 2; minus strand), LOC126860700 (CDK7 strongly-dependent group 2 enhancer GRCh37_chr9:101257622-101258821; plus strand). Cytogenetic location: 9q22.33.
Variant type: single nucleotide variant.
Coding change: c.667G>C on transcript NM_005458.8 (MANE Select); coding-DNA position 667, G replaced by C.
Protein change: p.Asp223His; replaces aspartic acid 223 with histidine.
Molecular consequence: missense variant.
Genome position (GRCh38, 1-based): chr9:98,496,478, C>G on the plus strand (G>C on the coding strand, the complement: GABBR2 is on the minus strand). VCF-style: chr9-98496478-C-G. GRCh37 (hg19) VCF-style: chr9-101258760-C-G.
Other names: short protein forms D223H.
Identifiers: ClinVar variation 4771737 (VCV004771737.1).